The following is an entry in ClinVar:

ClinVar aggregate classification (germline): Pathogenic/Likely pathogenic. Review status: criteria provided, multiple submitters, no conflicts (2 of 4 stars). 2 submissions from 2 submitters: Pathogenic (1); Likely pathogenic (1). Last evaluated 2023-07-16.

Conditions:
X-linked Alport syndrome (ATS1). Also called: NEPHROPATHY AND DEAFNESS, X-LINKED; COL4A5-Related Nephropathy. Identifiers: Orphanet 63, Orphanet 88917, MedGen C4746986, MONDO:0010520, OMIM 301050.

Submissions (3):

Victorian Clinical Genetics Services, Murdoch Childrens Research Institute
Classification: Pathogenic for X-linked Alport syndrome. Last evaluated: 2023-07-16. Review status: criteria provided, single submitter. Criteria: ACMG Guidelines, 2015. Collection method: clinical testing. Allele origin: germline. Inheritance: X-linked dominant inheritance. Affected: yes.
Comment: Based on the classification scheme VCGS_Germline_v1.3.4, this variant is classified as Pathogenic. Following criteria are met: 0103 - Dominant negative and loss of function are known mechanisms of disease in this gene and are associated with X-linked Alport syndrome 1 (MIM#301050). Dominant negative is caused mostly by glycine substitutions that affect the conformation of the protein, and loss of function can be caused by either protein truncating or missense variants (PMIDs: 24046192, 12028435). (I) 0110 - This gene is associated with X-linked dominant disease. Males are typically more severely affected than females (PMID: 19965530). (I) 0115 - Variants in this gene are known to have variable expressivity. There is intrafamilial variability among affected carrier females, possibly due to variable X-inactivation (PMID: 14514738). (I) 0200 - Variant is predicted to result in a missense amino acid change from glycine to valine. (I) 0251 - This variant is heterozygous. (I) 0301 - Variant is absent from gnomAD (both v2 and v3). (SP) 0309 - An alternative amino acid change at the same position has been observed in gnomAD (v2) (0 heterozygote, 0 homozygote, 1 hemizygote). (I) 0501 - Missense variant consistently predicted to be damaging by multiple in silico tools or highly conserved with a major amino acid change. (SP) 0601 - Variant is located in the well-established functional Gly-X-Y motif within the collagen repeat domain, and affects a glycine residue (DECIPHER). (SP) 0703 - Another missense variant comparable to the one identified in this case has moderate previous evidence for pathogenicity. p.(Gly822Arg) has been observed as hemizygous in an individual with Alport syndrome in the literature and classified as pathogenic in several individuals in LOVD (PMID: 10563487). (SP) 0803 - This variant has limited previous evidence of pathogenicity in at least two unrelated individuals. This variant has been classified as likely pathogenic by a clinical laboratory in ClinVar and as pathogenic in an individual with Alport syndrome in LOVD. This variant has also been observed in a mother and daughter with microhaematuria in the ARUP database but it is uncertain whether these individuals are a unique report from those in ClinVar and LOVD. (SP) 0905 - No published segregation evidence has been identified for this variant. (I) 1007 - No published functional evidence has been identified for this variant. (I) 1208 - Inheritance information for this variant is not currently available in this individual. (I) Legend: (SP) - Supporting pathogenic, (I) - Information, (SB) - Supporting benign

Institute of Human Genetics Munich, TUM University Hospital
Classification: Likely pathogenic for X-linked Alport syndrome. Last evaluated: 2019-06-07. Review status: criteria provided, single submitter. Criteria: Classification criteria August 2017. Collection method: clinical testing. Allele origin: germline. Inheritance: X-linked inheritance. Affected: yes. Observed: 1 heterozygote.

Dr. Peter K. Rogan Lab, Western University
No classification provided (evidence only). Condition: Thyroid cancer, nonmedullary, 1. Review status: no classification provided. Collection method: in vitro. Allele origin: not applicable. Functional consequence: retained intron. Not counted in ClinVar's aggregate classification.

Literature cited by the submitters: PubMed 10563487 (cited by Victorian Clinical Genetics Services, Murdoch Childrens Research Institute); PubMed 12028435 (cited by Victorian Clinical Genetics Services, Murdoch Childrens Research Institute); PubMed 14514738 (cited by Victorian Clinical Genetics Services, Murdoch Childrens Research Institute); PubMed 19965530 (cited by Victorian Clinical Genetics Services, Murdoch Childrens Research Institute); PubMed 24046192 (cited by Victorian Clinical Genetics Services, Murdoch Childrens Research Institute).

NM_033380.3(COL4A5):c.2465G>T (p.Gly822Val)

Gene: COL4A5 (collagen type IV alpha 5 chain; plus strand). Cytogenetic location: Xq22.3.
Variant type: single nucleotide variant.
Coding change: c.2465G>T on transcript NM_033380.3 (MANE Select); coding-DNA position 2465, G replaced by T.
Protein change: p.Gly822Val; replaces glycine 822 with valine.
Molecular consequence: missense variant.
Genome position (GRCh38, 1-based): chrX:108,614,980, G>T. VCF-style: chrX-108614980-G-T. GRCh37 (hg19) VCF-style: chrX-107858210-G-T.
Other names: NC_000023.10:g.107858210G>T; c.2465G>T, p.Gly822Val (NM_000495.5); c.2465G>T (NM_033380.2); short protein forms G822V.
Identifiers: ClinVar variation 807581 (VCV000807581.5), dbSNP rs1291655627, ClinGen allele CA413850025.
Genomic context (GRCh38, chrX:108,614,980, plus strand): 5'-GACCAAATGGACAACCTGGACCAATGGGACCTCCTGGGCTGCCAGGAATAGGTGTTCAGG[G>T]ACCACCAGGACCACCAGGGATTCCTGGGCCAATAGGTCAACCTGGTAAGATTAGAGTAAA-3'
Protein context (NP_203699.1, residues 812-832): PPGLPGIGVQ[Gly822Val]PPGPPGIPGP